The following is an entry in ClinVar:

ClinVar aggregate classification (germline): Uncertain significance. Review status: criteria provided, multiple submitters, no conflicts (2 of 4 stars). 2 submissions from 2 submitters: Uncertain significance (2). Last evaluated 2024-11-25.

Conditions:
Inborn genetic diseases. Identifiers: MedGen C0950123, MeSH D030342.
Fanconi anemia (FA). Also called: Fanconi's anemia. Identifiers: Orphanet 84, MedGen C0015625, MeSH D005199, MONDO:0019391.

Submissions (2):

Ambry Genetics
Classification: Uncertain significance for Inborn genetic diseases. Last evaluated: 2024-11-25. Review status: criteria provided, single submitter. Criteria: Ambry Variant Classification Scheme 2023. Collection method: clinical testing. Allele origin: germline.
Comment: The p.P86S variant (also known as c.256C>T), located in coding exon 1 of the FANCM gene, results from a C to T substitution at nucleotide position 256. The proline at codon 86 is replaced by serine, an amino acid with similar properties. This amino acid position is conserved. In addition, the in silico prediction for this alteration is inconclusive. Based on the available evidence, the clinical significance of this variant remains unclear.

Labcorp Genetics (formerly Invitae), Labcorp
Classification: Uncertain significance for Fanconi anemia. Last evaluated: 2022-10-05. Review status: criteria provided, single submitter. Criteria: Invitae Variant Classification Sherloc (09022015). Collection method: clinical testing. Allele origin: germline.
Comment: This sequence change replaces proline, which is neutral and non-polar, with serine, which is neutral and polar, at codon 86 of the FANCM protein (p.Pro86Ser). This variant is not present in population databases (gnomAD no frequency). This variant has not been reported in the literature in individuals affected with FANCM-related conditions. ClinVar contains an entry for this variant (Variation ID: 1523149). Algorithms developed to predict the effect of missense changes on protein structure and function are either unavailable or do not agree on the potential impact of this missense change (SIFT: "Deleterious"; PolyPhen-2: "Probably Damaging"; Align-GVGD: "Class C0"). In summary, the available evidence is currently insufficient to determine the role of this variant in disease. Therefore, it has been classified as a Variant of Uncertain Significance.

NM_020937.4(FANCM):c.256C>T (p.Pro86Ser)

Gene: FANCM (FA complementation group M; plus strand). Cytogenetic location: 14q21.2.
Variant type: single nucleotide variant.
Coding change: c.256C>T on transcript NM_020937.4 (MANE Select); coding-DNA position 256, C replaced by T.
Protein change: p.Pro86Ser; replaces proline 86 with serine.
Molecular consequence: missense variant.
Genome position (GRCh38, 1-based): chr14:45,136,287, C>T. VCF-style: chr14-45136287-C-T. GRCh37 (hg19) VCF-style: chr14-45605490-C-T.
Other names: c.256C>T, p.Pro86Ser (NM_001308133.2, NM_001308134.2); c.256C>T (NM_020937.2); short protein forms P86S.
Identifiers: ClinVar variation 1523149 (VCV001523149.9), dbSNP rs2139101859, ClinGen allele CA389587606.